The following is an entry in ClinVar:

ClinVar aggregate classification (germline): Uncertain significance (1 of 4 stars; one submission).

Conditions:
Developmental and epileptic encephalopathy 94 (DEE94). Also called: Epileptic encephalopathy, childhood-onset; CHD2-Related Neurodevelopmental Disorders. Identifiers: Orphanet 1942, Orphanet 2382, MedGen C3809278, MONDO:0014150, OMIM 615369.

Submission:

Baylor Genetics
Classification: Uncertain significance for Developmental and epileptic encephalopathy 94. Last evaluated: 2019-11-26. Review status: criteria provided, single submitter. Criteria: ACMG Guidelines, 2015. Collection method: clinical testing. Allele origin: unknown. Affected: yes.
Comment: This variant was determined to be of uncertain significance according to ACMG Guidelines, 2015 [PMID:25741868].

NM_001271.4(CHD2):c.3920G>A (p.Gly1307Glu)

Gene: CHD2 (chromodomain helicase DNA binding protein 2; plus strand). Cytogenetic location: 15q26.1.
Variant type: single nucleotide variant.
Coding change: c.3920G>A on transcript NM_001271.4 (MANE Select); coding-DNA position 3920, G replaced by A.
Protein change: p.Gly1307Glu; replaces glycine 1307 with glutamic acid.
Molecular consequence: missense variant.
Genome position (GRCh38, 1-based): chr15:92,998,533, G>A. VCF-style: chr15-92998533-G-A. GRCh37 (hg19) VCF-style: chr15-93541763-G-A.
Other names: short protein forms G1307E.
Identifiers: ClinVar variation 1029269 (VCV001029269.1), dbSNP rs2054212404, ClinGen allele CA393899324.
Genomic context (GRCh38, chr15:92,998,533, plus strand): 5'-GTGCTTCTCTTCCTTTCTTGTTGAAGATTCTGCCGGTGGAGACAGATAAAAAGCCTCAGG[G>A]GAAGCAGCTACAGACCCGAGCGGATTACTTGTTGAAGCTGCTCAGAAAGGGTCTGGAGAA-3'
Protein context (NP_001262.3, residues 1297-1317): LPVETDKKPQ[Gly1307Glu]KQLQTRADYL